The following is an entry in ClinVar:

NM_002906.4(RDX):c.720del (p.Trp242fs)

Gene: RDX (radixin; minus strand). Cytogenetic location: 11q22.3.
Variant type: Deletion.
Coding change: c.720del on transcript NM_002906.4 (MANE Select); coding-DNA position 720, one base deleted (T; older notation c.720delT).
Protein change: p.Trp242fs; shifts the reading frame from tryptophan 242.
Molecular consequence: frameshift variant. On other transcripts: intron variant (2).
Genome position (GRCh38, 1-based): chr11:110,255,364, A deleted on the plus strand (T on the coding strand, the reverse complement: RDX is on the minus strand); the first of 4 consecutive A bases (chr11:110,255,364-110,255,367); deleting any one gives the same sequence. VCF-style (leftmost placement, unchanged base first): chr11-110255363-GA-G. GRCh37 (hg19) VCF-style: chr11-110126088-GA-G.
Other names: c.720del, p.Trp242fs (NM_001260492.2, NM_001260493.2); c.312del, p.Trp106fs (NM_001260494.2); c.-82-7531del (NM_001260495.2); c.404+2793del (NM_001260496.2); short protein forms W106fs, W242fs.
Identifiers: ClinVar variation 2498534 (VCV002498534.29), dbSNP rs2539414638, ClinGen allele CA2580083193.
Genomic context (GRCh38, chr11:110,255,363, plus strand): 5'-CGATTGGCTTTATAACAAATTTTTTGTCATTAAATGAAATATTTCTGATTTCACTCCAGG[GA>G]AAACCAATTTTAGGTGTTAACCTTAAAAAATGAAAGCATCTCCTTAATTAAAGGCAGGAA-3'

ClinVar aggregate classification (germline): Pathogenic. Review status: criteria provided, multiple submitters, no conflicts (2 of 4 stars). 2 submissions from 2 submitters: Pathogenic (2). Last evaluated 2026-03-25.

Conditions:
Autosomal recessive nonsyndromic hearing loss 24. Identifiers: Orphanet 90636, MedGen C1970239, MONDO:0012602, OMIM 611022.

Submissions (2):

Human Genetics Bochum, Ruhr University Bochum
Classification: Pathogenic for Autosomal recessive nonsyndromic hearing loss 24. Last evaluated: 2026-03-25. Review status: criteria provided, single submitter. Criteria: ACMG Guidelines, 2015. Collection method: clinical testing. Allele origin: germline. Affected: yes.
Comment: in homozygous state; ACMG criteria used to clasify this variant: PVS1, PM2_SUP, PM3_SUP

CeGaT Center for Human Genetics Tuebingen
Classification: Pathogenic. Last evaluated: 2023-03-01. Review status: criteria provided, single submitter. Criteria: CeGaT Center For Human Genetics Tuebingen Variant Classification Criteria Version 2. Collection method: clinical testing. Allele origin: germline. Affected: yes. Observed: 1 variant allele.
Comment: RDX: PVS1, PM2, PM3:Supporting